The following is an entry in ClinVar:

ClinVar aggregate classification (germline): Likely benign. Review status: criteria provided, single submitter (1 of 4 stars). 2 submissions from 2 submitters: Likely benign (1). 1 of the submissions does not count toward it. Last evaluated 2026-01-26.

Conditions:
Senior-Loken syndrome 7 (SLSN7). Identifiers: Orphanet 3156, MedGen C3150877, MONDO:0013326, OMIM 613615.
Bardet-Biedl syndrome 16 (BBS16). Identifiers: Orphanet 110, MedGen C3889474, MONDO:0014444, OMIM 615993.
SDCCAG8-related disorder. Also called: SDCCAG8-Related Disorders; SDCCAG8-related condition.

Submissions (2):

Labcorp Genetics (formerly Invitae), Labcorp
Classification: Likely benign for Bardet-Biedl syndrome 16; Senior-Loken syndrome 7. Last evaluated: 2026-01-26. Review status: criteria provided, single submitter. Criteria: Invitae Variant Classification Sherloc (09022015). Collection method: clinical testing. Allele origin: germline.

PreventionGenetics, part of Exact Sciences
Classification: Likely benign for SDCCAG8-related condition. Last evaluated: 2021-10-18. Review status: no assertion criteria provided. Collection method: clinical testing. Allele origin: germline. Not counted in ClinVar's aggregate classification.
Comment: This variant is classified as likely benign based on ACMG/AMP sequence variant interpretation guidelines (Richards et al. 2015 PMID: 25741868, with internal and published modifications).

NM_006642.5(SDCCAG8):c.867T>C (p.His289=)

Gene: SDCCAG8 (SHH signaling and ciliogenesis regulator SDCCAG8; plus strand). Cytogenetic location: 1q43.
Variant type: single nucleotide variant.
Coding change: c.867T>C on transcript NM_006642.5 (MANE Select); coding-DNA position 867, T replaced by C.
Protein change: p.His289=; no amino-acid change (histidine 289 retained).
Molecular consequence: synonymous variant. On other transcripts: 5 prime UTR variant (3).
Genome position (GRCh38, 1-based): chr1:243,308,115, T>C. VCF-style: chr1-243308115-T-C. GRCh37 (hg19) VCF-style: chr1-243471417-T-C.
Other names: c.-37T>C (NM_001350246.2, NM_001350247.2, NM_001350251.2); c.963T>C, p.His321= (NM_001350248.2); c.573T>C, p.His191= (NM_001350249.2).
Identifiers: ClinVar variation 3354959 (VCV003354959.2).
Genomic context (GRCh38, chr1:243,308,115, plus strand): 5'-TCTTCTGGCTGCTAATACTTGTAACCGTGTTGGTGGTCTTTGTTTGAAATGTGCTCAGCA[T>C]GAAGCTGTTCTTTCCCAAACCCATACTAATGTTCATATGCAGACCATCGAAAGACTGGTT-3'
Protein context (NP_006633.1, residues 279-299): VGGLCLKCAQ[His289=]EAVLSQTHTN